The following is an entry in ClinVar:

ClinVar aggregate classification (germline): Uncertain significance. Review status: criteria provided, multiple submitters, no conflicts (2 of 4 stars). 5 submissions from 5 submitters: Uncertain significance (5). Last evaluated 2026-02-01.

Conditions:
Inborn genetic diseases. Identifiers: MedGen C0950123, MeSH D030342.

gnomAD v4.1: 109 of 1,613,970 alleles (0.0068%); highest among the groups gnomAD compares: Middle Eastern, 0.033%; no homozygotes.

Submissions (5):

CeGaT Center for Human Genetics Tuebingen
Classification: Uncertain significance. Last evaluated: 2026-02-01. Review status: criteria provided, single submitter. Criteria: CeGaT Center For Human Genetics Tuebingen Variant Classification Criteria Version 2. Collection method: clinical testing. Allele origin: germline. Affected: yes. Observed: 1 variant allele.
Comment: SPTBN2: PP4, BP4

GeneDx
Classification: Uncertain significance. Last evaluated: 2024-08-26. Review status: criteria provided, single submitter. Criteria: GeneDx Variant Classification Process June 2021. Collection method: clinical testing. Allele origin: germline. Affected: yes.
Comment: In silico analysis supports that this missense variant has a deleterious effect on protein structure/function; Has not been previously published as pathogenic or benign to our knowledge

Athena Diagnostics
Classification: Uncertain significance. Last evaluated: 2024-08-13. Review status: criteria provided, single submitter. Criteria: Athena Diagnostics Criteria. Collection method: clinical testing. Allele origin: unknown.

Labcorp Genetics (formerly Invitae), Labcorp
Classification: Uncertain significance. Last evaluated: 2024-01-20. Review status: criteria provided, single submitter. Criteria: Invitae Variant Classification Sherloc (09022015). Collection method: clinical testing. Allele origin: germline.
Comment: This sequence change replaces proline, which is neutral and non-polar, with leucine, which is neutral and non-polar, at codon 924 of the SPTBN2 protein (p.Pro924Leu). This variant is present in population databases (rs147327184, gnomAD 0.01%). This variant has not been reported in the literature in individuals affected with SPTBN2-related conditions. ClinVar contains an entry for this variant (Variation ID: 2466910). Advanced modeling of protein sequence and biophysical properties (such as structural, functional, and spatial information, amino acid conservation, physicochemical variation, residue mobility, and thermodynamic stability) performed at Invitae indicates that this missense variant is not expected to disrupt SPTBN2 protein function with a negative predictive value of 80%. In summary, the available evidence is currently insufficient to determine the role of this variant in disease. Therefore, it has been classified as a Variant of Uncertain Significance.

Ambry Genetics
Classification: Uncertain significance for Inborn genetic diseases. Last evaluated: 2023-02-06. Review status: criteria provided, single submitter. Criteria: Ambry Variant Classification Scheme 2023. Collection method: clinical testing. Allele origin: germline.

NM_006946.4(SPTBN2):c.2771C>T (p.Pro924Leu)

Gene: SPTBN2 (spectrin beta, non-erythrocytic 2; minus strand). Cytogenetic location: 11q13.2.
Variant type: single nucleotide variant.
Coding change: c.2771C>T on transcript NM_006946.4 (MANE Select); coding-DNA position 2771, C replaced by T.
Protein change: p.Pro924Leu; replaces proline 924 with leucine.
Molecular consequence: missense variant.
Genome position (GRCh38, 1-based): chr11:66,701,629, G>A on the plus strand (C>T on the coding strand, the complement: SPTBN2 is on the minus strand). VCF-style: chr11-66701629-G-A. GRCh37 (hg19) VCF-style: chr11-66469100-G-A.
Other names: c.2792C>T, p.Pro931Leu (NM_001411025.1); short protein forms P931L, P924L.
Identifiers: ClinVar variation 2466910 (VCV002466910.9), dbSNP rs147327184, ClinGen allele CA6129019.